The following is an entry in ClinVar:

ClinVar aggregate classification (germline): Uncertain significance (1 of 4 stars; one submission).

Conditions:
Hereditary sensory and autonomic neuropathy type 6. Also called: HSAN VI; Neuropathy, hereditary sensory and autonomic, type VI. Identifiers: Orphanet 314381, MedGen C3539003, MONDO:0013839, OMIM 614653.
Epidermolysis bullosa simplex 3, localized or generalized intermediate, with BP230 deficiency (EBS3). Also called: Epidermolysis bullosa simplex, autosomal recessive 2; Epidermolysis bullosa simplex due to BP230 deficiency. Identifiers: Orphanet 412181, MedGen C3809470, MONDO:0014180, OMIM 615425.

Allele frequency attached by ClinVar (database versions not stated): gnomAD 0.00001; gnomAD exomes 0.00001.
gnomAD v4.1: 17 of 1,613,910 alleles (0.0011%); highest among the groups gnomAD compares: Admixed American, 0.0033%; no homozygotes.

Submission:

Labcorp Genetics (formerly Invitae), Labcorp
Classification: Uncertain significance for Epidermolysis bullosa simplex 3, localized or generalized intermediate, with BP230 deficiency; Hereditary sensory and autonomic neuropathy type 6. Last evaluated: 2021-08-30. Review status: criteria provided, single submitter. Criteria: Invitae Variant Classification Sherloc (09022015). Collection method: clinical testing. Allele origin: germline.
Comment: This sequence change replaces glutamic acid with lysine at codon 1722 of the DST protein (p.Glu1722Lys). The glutamic acid residue is highly conserved and there is a small physicochemical difference between glutamic acid and lysine. This variant is not present in population databases (ExAC no frequency). This variant has not been reported in the literature in individuals affected with DST-related conditions. Algorithms developed to predict the effect of missense changes on protein structure and function are either unavailable or do not agree on the potential impact of this missense change (SIFT: "Deleterious"; PolyPhen-2: "Probably Damaging"; Align-GVGD: "Class C15"). In summary, the available evidence is currently insufficient to determine the role of this variant in disease. Therefore, it has been classified as a Variant of Uncertain Significance.

NM_001723.7(DST):c.5164G>A (p.Glu1722Lys)

Gene: DST (dystonin; minus strand). Cytogenetic location: 6p12.1.
Variant type: single nucleotide variant.
Coding change: c.5164G>A on transcript NM_001723.7 (MANE Plus Clinical); coding-DNA position 5164, G replaced by A.
Protein change: p.Glu1722Lys; replaces glutamic acid 1722 with lysine.
Molecular consequence: missense variant. On other transcripts: intron variant (10).
Genome position (GRCh38, 1-based): chr6:56,618,870, C>T on the plus strand (G>A on the coding strand, the complement: DST is on the minus strand). VCF-style: chr6-56618870-C-T. GRCh37 (hg19) VCF-style: chr6-56483668-C-T.
Other names: c.4831-4386G>A (NM_001144769.5); c.4930-4386G>A (NM_001374722.1, NM_001374736.1); c.4957-4386G>A (NM_001374734.1); c.4417-4386G>A (NM_001144770.2); c.4297-4386G>A (NM_001374730.1, NM_001386100.1, NM_183380.4 and 1 more transcripts); c.3319-4386G>A (NM_015548.5); short protein forms E1722K.
Identifiers: ClinVar variation 474529 (VCV000474529.6), dbSNP rs904661472, ClinGen allele CA139209214.